The following is an entry in ClinVar:

ClinVar aggregate classification (germline): Uncertain significance (1 of 4 stars; one submission).

Conditions:
Hereditary cancer-predisposing syndrome. Also called: Neoplastic Syndromes, Hereditary; Tumor predisposition; Hereditary Cancer Syndrome; Hereditary neoplastic syndrome. Identifiers: Orphanet 140162, MedGen C0027672, MeSH D009386, MONDO:0015356.

gnomAD v4.1: 1 of 1,613,998 alleles (0.000062%); highest among the groups gnomAD compares: African/African-American, 0.0013%; no homozygotes.

Submission:

Ambry Genetics
Classification: Uncertain significance for Hereditary cancer-predisposing syndrome. Last evaluated: 2026-06-01. Review status: criteria provided, single submitter. Criteria: Ambry Variant Classification Scheme 2023. Collection method: clinical testing. Allele origin: germline.
Comment: The p.G387R variant (also known as c.1159G>C), located in coding exon 9 of the MITF gene, results from a G to C substitution at nucleotide position 1159. The glycine at codon 387 is replaced by arginine, an amino acid with dissimilar properties. This amino acid position is conserved. In addition, this alteration is predicted to be tolerated by in silico analysis. Based on the available evidence, the clinical significance of this variant remains unclear.

NM_001354604.2(MITF):c.1480G>C (p.Gly494Arg)

Gene: MITF (melanocyte inducing transcription factor; plus strand). Cytogenetic location: 3p13.
Variant type: single nucleotide variant.
Coding change: c.1480G>C on transcript NM_001354604.2 (MANE Select); coding-DNA position 1480, G replaced by C.
Protein change: p.Gly494Arg; replaces glycine 494 with arginine.
Molecular consequence: missense variant.
Genome position (GRCh38, 1-based): chr3:69,965,147, G>C. VCF-style: chr3-69965147-G-C. GRCh37 (hg19) VCF-style: chr3-70014298-G-C.
Other names: c.1159G>C, p.Gly387Arg (NM_000248.4); c.1306G>C, p.Gly436Arg (NM_001184967.2, NM_001354608.2); c.1477G>C, p.Gly493Arg (NM_001354605.2); c.1459G>C, p.Gly487Arg (NM_001354606.2, NM_006722.3); c.1411G>C, p.Gly471Arg (NM_001354607.2); c.1141G>C, p.Gly381Arg (NM_198158.3); c.1462G>C, p.Gly488Arg (NM_198159.3); c.1414G>C, p.Gly472Arg (NM_198177.3); and 1 more; short protein forms G325R, G381R, G387R, G436R, G471R, G472R, G487R, G488R.
Identifiers: ClinVar variation 4860078 (VCV004860078.1).